The following is an entry in ClinVar:

NM_001330574.2(ZNF711):c.1464C>T (p.Val488=)

Gene: ZNF711 (ZFX family zinc finger ZNF711; plus strand). Cytogenetic location: Xq21.1.
Variant type: single nucleotide variant.
Coding change: c.1464C>T on transcript NM_001330574.2 (MANE Select); coding-DNA position 1464, C replaced by T.
Protein change: p.Val488=; no amino-acid change (valine 488 retained).
Molecular consequence: synonymous variant.
Genome position (GRCh38, 1-based): chrX:85,270,868, C>T. VCF-style: chrX-85270868-C-T. GRCh37 (hg19) VCF-style: chrX-84525874-C-T.
Other names: c.1326C>T, p.Val442= (NM_021998.5).
Identifiers: ClinVar variation 130850 (VCV000130850.27), dbSNP rs140843429, ClinGen allele CA156164.
Genomic context (GRCh38, chrX:85,270,868, plus strand): 5'-AACTAACAAGAAAGTGAGTTTCCATAACCACTTAGAAAGCCATAAGCTCATAAACAAAGT[C>T]GACAAAACCCATGAATTTACAGAATACACACGAAGATACAGAGAGGCTAGTCCACTGAGT-3'
Protein context (NP_001317503.1, residues 478-498): HLESHKLINK[Val488=]DKTHEFTEYT

ClinVar aggregate classification (germline): Likely benign. Review status: criteria provided, multiple submitters, no conflicts (2 of 4 stars). 5 submissions from 5 submitters: Likely benign (4). 1 of the submissions does not count toward it. Last evaluated 2024-12-01.

Conditions:
Inborn genetic diseases. Identifiers: MedGen C0950123, MeSH D030342.
Intellectual developmental disorder, X-linked 97. Also called: Intellectual disability, X-linked 97. Identifiers: Orphanet 777, MedGen C2749020, MONDO:0010430, OMIM 300803.

Allele frequency attached by ClinVar (database versions not stated): ESP Exome Variant Server 0.00009; ExAC 0.00012; 1000 Genomes Project 30x 0.00021; 1000 Genomes Project 0.00026; gnomAD exomes 0.00027; gnomAD 0.00034 and 0.00037; TOPMed 0.00050.
gnomAD v4.1: 125 of 1,206,595 alleles (0.01%); highest among the groups gnomAD compares: Admixed American, 0.13%; 1 homozygote.

Submissions (5):

CeGaT Center for Human Genetics Tuebingen
Classification: Likely benign. Last evaluated: 2024-12-01. Review status: criteria provided, single submitter. Criteria: CeGaT Center For Human Genetics Tuebingen Variant Classification Criteria Version 2. Collection method: clinical testing. Allele origin: germline. Affected: yes. Observed: 1 variant allele.
Comment: ZNF711: BP4, BP7, BS2

Labcorp Genetics (formerly Invitae), Labcorp
Classification: Likely benign. Last evaluated: 2018-03-29. Review status: criteria provided, single submitter. Criteria: Invitae Variant Classification Sherloc (09022015). Collection method: clinical testing. Allele origin: germline.

Illumina Laboratory Services, Illumina
Classification: Likely benign for Intellectual developmental disorder, X-linked 97. Last evaluated: 2018-03-06. Review status: criteria provided, single submitter. Criteria: ICSL Variant Classification Criteria 13 December 2019. Collection method: clinical testing. Allele origin: germline.
Comment: This variant was observed in the ICSL laboratory as part of a predisposition screen in an ostensibly healthy population. It had not been previously curated by ICSL or reported in the Human Gene Mutation Database (HGMD: prior to June 1st, 2018), and was therefore a candidate for classification through an automated scoring system. Utilizing variant allele frequency, disease prevalence and penetrance estimates, and inheritance mode, an automated score was calculated to assess if this variant is too frequent to cause the disease. Based on the score and internal cut-off values, a variant classified as likely benign is not then subjected to further curation. The score for this variant resulted in a classification of likely benign for this disease.

Ambry Genetics
Classification: Likely benign for Inborn genetic diseases. Last evaluated: 2015-09-08. Review status: criteria provided, single submitter. Criteria: Ambry Variant Classification Scheme 2023. Collection method: clinical testing. Allele origin: germline.

Genetic Services Laboratory, University of Chicago
Classification: Likely benign for AllHighlyPenetrant. Review status: no assertion criteria provided. Collection method: clinical testing. Allele origin: germline. Inheritance: X-linked inheritance. Not counted in ClinVar's aggregate classification.
Comment: Likely benign based on allele frequency in 1000 Genomes Project or ESP global frequency and its presence in a patient with a rare or unrelated disease phenotype. NOT Sanger confirmed.